The following is an entry in ClinVar:

ClinVar aggregate classification (germline): Likely pathogenic (1 of 4 stars; one submission).

Submission:

Labcorp Genetics (formerly Invitae), Labcorp
Classification: Likely pathogenic. Last evaluated: 2025-07-06. Review status: criteria provided, single submitter. Criteria: Invitae Variant Classification Sherloc (09022015). Collection method: clinical testing. Allele origin: germline.
Comment: This sequence change affects an acceptor splice site in intron 20 of the POLR3A gene. It is expected to disrupt RNA splicing. Variants that disrupt the donor or acceptor splice site typically lead to a loss of protein function (PMID: 16199547), and loss-of-function variants in POLR3A are known to be pathogenic (PMID: 21855841, 25339210, 27612211, 30414627, 30450527). This variant is not present in population databases (gnomAD no frequency). This variant has not been reported in the literature in individuals affected with POLR3A-related conditions. Algorithms developed to predict the effect of sequence changes on RNA splicing suggest that this variant may disrupt the consensus splice site. In summary, the currently available evidence indicates that the variant is pathogenic, but additional data are needed to prove that conclusively. Therefore, this variant has been classified as Likely Pathogenic.

Literature cited by the submitters: PubMed 16199547; PubMed 21855841; PubMed 25339210; PubMed 27612211; PubMed 30414627; PubMed 30450527.

NM_007055.4(POLR3A):c.2788-1G>T

Gene: POLR3A (RNA polymerase III subunit A; minus strand). Cytogenetic location: 10q22.3.
Variant type: single nucleotide variant.
Coding change: c.2788-1G>T on transcript NM_007055.4 (MANE Select); the canonical splice acceptor site of the intron before coding-DNA position 2788, G replaced by T.
Molecular consequence: splice acceptor variant.
Genome position (GRCh38, 1-based): chr10:77,991,168, C>A on the plus strand (G>T on the coding strand, the complement: POLR3A is on the minus strand). VCF-style: chr10-77991168-C-A. GRCh37 (hg19) VCF-style: chr10-79750926-C-A.
Identifiers: ClinVar variation 4722798 (VCV004722798.1).